The following is an entry in ClinVar:

ClinVar aggregate classification (germline): Uncertain significance (1 of 4 stars; one submission).

gnomAD v4.1: 26 of 1,535,894 alleles (0.0017%); highest among the groups gnomAD compares: South Asian, 0.018%; no homozygotes.

Submission:

Labcorp Genetics (formerly Invitae), Labcorp
Classification: Uncertain significance. Last evaluated: 2024-05-27. Review status: criteria provided, single submitter. Criteria: Invitae Variant Classification Sherloc (09022015). Collection method: clinical testing. Allele origin: germline.
Comment: This sequence change affects codon 1340 of the BRD4 mRNA. It is a 'silent' change, meaning that it does not change the encoded amino acid sequence of the BRD4 protein. It affects a nucleotide within the consensus splice site. The frequency data for this variant in the population databases is considered unreliable, as metrics indicate poor data quality at this position in the gnomAD database. This variant has not been reported in the literature in individuals affected with BRD4-related conditions. Algorithms developed to predict the effect of sequence changes on RNA splicing suggest that this variant is not likely to affect RNA splicing. In summary, the available evidence is currently insufficient to determine the role of this variant in disease. Therefore, it has been classified as a Variant of Uncertain Significance.

NM_001379291.1(BRD4):c.4020C>T (p.Ala1340=)

Gene: BRD4 (bromodomain containing 4; minus strand). Cytogenetic location: 19p13.12.
Variant type: single nucleotide variant.
Coding change: c.4020C>T on transcript NM_001379291.1 (MANE Select); coding-DNA position 4020, C replaced by T.
Protein change: p.Ala1340=; no amino-acid change (alanine 1340 retained).
Molecular consequence: synonymous variant.
Genome position (GRCh38, 1-based): chr19:15,238,743, G>A on the plus strand (C>T on the coding strand, the complement: BRD4 is on the minus strand). VCF-style: chr19-15238743-G-A. GRCh37 (hg19) VCF-style: chr19-15349554-G-A.
Other names: c.4020C>T, p.Ala1340= (NM_058243.3).
Identifiers: ClinVar variation 3718697 (VCV003718697.2).